The following is an entry in ClinVar:

NM_001367498.1(CNTNAP5):c.3703C>T (p.Arg1235Ter)

Gene: CNTNAP5 (contactin associated protein family member 5; plus strand). Cytogenetic location: 2q14.3.
Variant type: single nucleotide variant.
Coding change: c.3703C>T on transcript NM_001367498.1 (MANE Select); coding-DNA position 3703, C replaced by T.
Protein change: p.Arg1235Ter; replaces arginine 1235 with a stop codon.
Molecular consequence: nonsense.
Genome position (GRCh38, 1-based): chr2:124,911,514, C>T. VCF-style: chr2-124911514-C-T. GRCh37 (hg19) VCF-style: chr2-125669091-C-T.
Other names: c.3700C>T, p.Arg1234Ter (NM_130773.4); short protein forms R1234*, R1235*.
Identifiers: ClinVar variation 981054 (VCV000981054.3), dbSNP rs982218609, ClinGen allele CA348205186.

ClinVar aggregate classification (germline): Uncertain significance (1 of 4 stars; one submission).

Conditions:
CNTNAP5-associated intellectual disability.

Allele frequency attached by ClinVar (database versions not stated): TOPMed 0.00001.
gnomAD v4.1: 2 of 1,601,180 alleles (0.00012%); highest among the groups gnomAD compares: African/African-American, 0.0013%; no homozygotes.

Submission:

Institute of Human Genetics, University of Goettingen
Classification: Uncertain significance for CNTNAP5-associated intellectual disability. Last evaluated: 2020-07-17. Review status: criteria provided, single submitter. Criteria: ACMG Guidelines, 2015. Collection method: clinical testing. Allele origin: unknown. Inheritance: Autosomal dominant inheritance. Affected: yes. Observed: 1 heterozygote.
Comment: The variant c.3700C>T in CNTNAP5 causes a frameshift and possibly also haploinsufficency. The variant is not listed in gnomAD. We therefore classified the variant as variant with uncertain significance.